The following is an entry in ClinVar:

ClinVar aggregate classification (germline): Uncertain significance (1 of 4 stars; one submission).

Conditions:
D-Glyceric aciduria. Also called: GLYCERATE KINASE DEFICIENCY; Deficiency of glycerate kinase. Identifiers: Orphanet 941, MedGen C0342765, MONDO:0009070, OMIM 220120.

gnomAD v4.1: 3 of 1,613,882 alleles (0.00019%); highest among the groups gnomAD compares: Non-Finnish European, 0.00025%; no homozygotes.

Submission:

Labcorp Genetics (formerly Invitae), Labcorp
Classification: Uncertain significance. Last evaluated: 2021-12-03. Review status: criteria provided, single submitter. Criteria: Invitae Variant Classification Sherloc (09022015). Collection method: clinical testing. Allele origin: germline.
Comment: This variant has not been reported in the literature in individuals affected with GLYCTK-related conditions. This sequence change replaces proline, which is neutral and non-polar, with leucine, which is neutral and non-polar, at codon 256 of the GLYCTK protein (p.Pro256Leu). This variant is present in population databases (rs758174758, gnomAD 0.0009%). Algorithms developed to predict the effect of missense changes on protein structure and function (SIFT, PolyPhen-2, Align-GVGD) all suggest that this variant is likely to be disruptive. In summary, the available evidence is currently insufficient to determine the role of this variant in disease. Therefore, it has been classified as a Variant of Uncertain Significance.

NM_145262.4(GLYCTK):c.767C>T (p.Pro256Leu)

Gene: GLYCTK (glycerate kinase; plus strand). Cytogenetic location: 3p21.2.
Variant type: single nucleotide variant.
Coding change: c.767C>T on transcript NM_145262.4 (MANE Select); coding-DNA position 767, C replaced by T.
Protein change: p.Pro256Leu; replaces proline 256 with leucine.
Molecular consequence: missense variant. On other transcripts: synonymous variant (1), non-coding transcript variant (3).
Genome position (GRCh38, 1-based): chr3:52,292,321, C>T. VCF-style: chr3-52292321-C-T. GRCh37 (hg19) VCF-style: chr3-52326337-C-T.
Other names: c.591C>T, p.Pro197= (NM_001144951.2); c.767C>T (NM_145262.3); short protein forms P256L.
Identifiers: ClinVar variation 1378569 (VCV001378569.8), dbSNP rs758174758, ClinGen allele CA2432168.